The following is an entry in ClinVar:

ClinVar aggregate classification (germline): Uncertain significance (0 of 4 stars; one submission).

Conditions:
PHKA1-related disorder. Also called: PHKA1-related condition.

Submission:

PreventionGenetics, part of Exact Sciences
Classification: Uncertain significance for PHKA1-related condition. Last evaluated: 2024-01-02. Review status: no assertion criteria provided. Collection method: clinical testing. Allele origin: germline.
Comment: The PHKA1 c.1476G>A variant is predicted to result in the amino acid substitution p.Met492Ile. To our knowledge, this variant has not been reported in the literature or in a large population database, indicating this variant is rare. At this time, the clinical significance of this variant is uncertain due to the absence of conclusive functional and genetic evidence.

NM_002637.4(PHKA1):c.1476G>A (p.Met492Ile)

Gene: PHKA1 (phosphorylase kinase regulatory subunit alpha 1; minus strand). Cytogenetic location: Xq13.1.
Variant type: single nucleotide variant.
Coding change: c.1476G>A on transcript NM_002637.4 (MANE Select); coding-DNA position 1476, G replaced by A.
Protein change: p.Met492Ile; replaces methionine 492 with isoleucine.
Molecular consequence: missense variant.
Genome position (GRCh38, 1-based): chrX:72,636,370, C>T on the plus strand (G>A on the coding strand, the complement: PHKA1 is on the minus strand). VCF-style: chrX-72636370-C-T. GRCh37 (hg19) VCF-style: chrX-71856220-C-T.
Other names: c.1476G>A, p.Met492Ile (NM_001122670.2, NM_001172436.2); short protein forms M492I.
Identifiers: ClinVar variation 3029231 (VCV003029231.2), dbSNP rs2522553262, ClinGen allele CA413592435.